The following is an entry in ClinVar:

ClinVar aggregate classification (germline): Conflicting classifications of pathogenicity. Review status: criteria provided, conflicting classifications (1 of 4 stars). 2 submissions from 2 submitters: Pathogenic (1); Uncertain significance (1). Last evaluated 2026-01-07.

Conditions:
Inborn genetic diseases. Identifiers: MedGen C0950123, MeSH D030342.

Submissions (2):

Ambry Genetics
Classification: Uncertain significance for Inborn genetic diseases. Last evaluated: 2026-01-07. Review status: criteria provided, single submitter. Criteria: Ambry Variant Classification Scheme 2023. Collection method: clinical testing. Allele origin: germline.
Comment: The c.7133G>A (p.S2378N) alteration is located in exon 52 (coding exon 50) of the ITPR1 gene. This alteration results from a G to A substitution at nucleotide position 7133, causing the serine (S) at amino acid position 2378 to be replaced by an asparagine (N). This variant was not reported in population-based cohorts in the Genome Aggregation Database (gnomAD). This variant was determined to be de novo in at least one individual with features consistent with autosomal dominant ITPR1-related spinocerebellar ataxia (external communication). This amino acid position is highly conserved in available vertebrate species. This missense alteration is located in a region that has a low rate of benign missense variation (Lek, 2016; Firth, 2009). This alteration is predicted to be deleterious by in silico analysis. Based on insufficient or conflicting evidence, the clinical significance of this alteration remains unclear.

Labcorp Genetics (formerly Invitae), Labcorp
Classification: Pathogenic. Last evaluated: 2023-01-17. Review status: criteria provided, single submitter. Criteria: Invitae Variant Classification Sherloc (09022015). Collection method: clinical testing. Allele origin: germline.
Comment: For these reasons, this variant has been classified as Pathogenic. Advanced modeling of protein sequence and biophysical properties (such as structural, functional, and spatial information, amino acid conservation, physicochemical variation, residue mobility, and thermodynamic stability) performed at Invitae indicates that this missense variant is expected to disrupt ITPR1 protein function. This missense change has been observed in individual(s) with clinical features of autosomal dominant spinocerebellar ataxia (Invitae). In at least one individual the variant was observed to be de novo. This variant is not present in population databases (gnomAD no frequency). This sequence change replaces serine, which is neutral and polar, with asparagine, which is neutral and polar, at codon 2378 of the ITPR1 protein (p.Ser2378Asn).

NM_001378452.1(ITPR1):c.7322G>A (p.Ser2441Asn)

Gene: ITPR1 (inositol 1,4,5-trisphosphate receptor type 1; plus strand). Cytogenetic location: 3p26.1.
Variant type: single nucleotide variant.
Coding change: c.7322G>A on transcript NM_001378452.1 (MANE Select); coding-DNA position 7322, G replaced by A.
Protein change: p.Ser2441Asn; replaces serine 2441 with asparagine.
Molecular consequence: missense variant.
Genome position (GRCh38, 1-based): chr3:4,811,314, G>A. VCF-style: chr3-4811314-G-A. GRCh37 (hg19) VCF-style: chr3-4852998-G-A.
Other names: c.7133G>A (NM_002222.5); c.7178G>A, p.Ser2393Asn (NM_001099952.4); c.7277G>A, p.Ser2426Asn (NM_001168272.2); c.7133G>A, p.Ser2378Asn (NM_002222.7); short protein forms S2426N, S2378N, S2393N, S2441N.
Identifiers: ClinVar variation 1962375 (VCV001962375.7), dbSNP rs2470165771, ClinGen allele CA351647566.